The following is an entry in ClinVar:

ClinVar aggregate classification (germline): Likely benign. Review status: criteria provided, multiple submitters, no conflicts (2 of 4 stars). 2 submissions from 2 submitters: Likely benign (2). Last evaluated 2024-05-14.

Conditions:
Malignant hyperthermia, susceptibility to, 1 (MHS1). Also called: RYR1-Related Malignant Hyperthermia Susceptibility; Anesthesia related hyperthermia; Malignant hyperpyrexia; Fulminating hyperpyrexia; Pharmacogenic myopathy; Malignant hyperthermia suceptibility 1. Identifiers: Orphanet 423, MedGen C2930980, MONDO:0007783, OMIM 145600.
RYR1-related disorder. Also called: RYR1-related disorders; RYR1-related condition. Identifiers: MedGen CN239331.

Allele frequency attached by ClinVar (database versions not stated): gnomAD exomes below 0.00001; gnomAD 0.00001; TOPMed 0.00001.
gnomAD v4.1: 8 of 1,613,548 alleles (0.0005%); highest among the groups gnomAD compares: Non-Finnish European, 0.00068%; no homozygotes.

Submissions (2):

All of Us Research Program, National Institutes of Health
Classification: Likely benign for Malignant hyperthermia, susceptibility to, 1. Last evaluated: 2024-05-14. Review status: criteria provided, single submitter. Criteria: ACMG Guidelines, 2015. Collection method: clinical testing. Allele origin: germline. Inheritance: Autosomal dominant inheritance. Observed: 1 variant allele, 1 heterozygote.
Comment: This study involves interpretation of variants in research participants for the purpose of population health screening. Participant phenotype was not available at the time of variant classification. Additional details can be found in publication PMID: 35346344, PMCID: PMC8962531

Labcorp Genetics (formerly Invitae), Labcorp
Classification: Likely benign for RYR1-related disorder. Last evaluated: 2023-04-24. Review status: criteria provided, single submitter. Criteria: Invitae Variant Classification Sherloc (09022015). Collection method: clinical testing. Allele origin: germline.

NM_000540.3(RYR1):c.271-6C>G

Gene: RYR1 (ryanodine receptor 1; plus strand). Cytogenetic location: 19q13.2.
Variant type: single nucleotide variant.
Coding change: c.271-6C>G on transcript NM_000540.3 (MANE Select); 6 bases into the intron before coding-DNA position 271, C replaced by G.
Molecular consequence: intron variant.
Genome position (GRCh38, 1-based): chr19:38,443,552, C>G. VCF-style: chr19-38443552-C-G. GRCh37 (hg19) VCF-style: chr19-38934192-C-G.
Other names: c.271-6C>G (NM_001042723.2).
Identifiers: ClinVar variation 1162072 (VCV001162072.10), dbSNP rs1162128403, ClinGen allele CA882052144.